The following is an entry in ClinVar:

ClinVar aggregate classification (germline): Uncertain significance (1 of 4 stars; one submission).

gnomAD v4.1: 23 of 1,530,650 alleles (0.0015%); highest among the groups gnomAD compares: East Asian, 0.034%; no homozygotes.

Submission:

CeGaT Center for Human Genetics Tuebingen
Classification: Uncertain significance. Last evaluated: 2026-09-01. Review status: criteria provided, single submitter. Criteria: CeGaT Center For Human Genetics Tuebingen Variant Classification Criteria Version 2. Collection method: clinical testing. Allele origin: germline. Affected: yes. Observed: 1 variant allele.
Comment: SGCE: PP3

NM_003919.3(SGCE):c.110-9511G>A

Gene: SGCE (sarcoglycan epsilon; minus strand). Cytogenetic location: 7q21.3.
Variant type: single nucleotide variant.
Coding change: c.110-9511G>A on transcript NM_003919.3 (MANE Select); 9511 bases into the intron before coding-DNA position 110, G replaced by A.
Molecular consequence: intron variant. On other transcripts: missense variant (4).
Genome position (GRCh38, 1-based): chr7:94,639,352, C>T on the plus strand (G>A on the coding strand, the complement: SGCE is on the minus strand). VCF-style: chr7-94639352-C-T. GRCh37 (hg19) VCF-style: chr7-94268664-C-T.
Other names: c.206G>A, p.Gly69Glu (NM_001346713.2, NM_001346715.2); c.11G>A, p.Gly4Glu (NM_001346719.2, NM_001362807.2); c.110-10993G>A (NM_001362809.2, NM_001301139.2); c.110-9511G>A (NM_001346717.2, NM_001099400.2, NM_001099401.2); c.-165+5254G>A (NM_001362808.2, NM_001346720.2); short protein forms G4E, G69E.
Identifiers: ClinVar variation 5040963 (VCV005040963.1).